The following is an entry in ClinVar:

NM_020435.4(GJC2):c.392del (p.Pro131fs)

Gene: GJC2 (gap junction protein gamma 2; plus strand). Cytogenetic location: 1q42.13.
Variant type: Deletion.
Coding change: c.392del on transcript NM_020435.4 (MANE Select); coding-DNA position 392, one base deleted (C; older notation c.392delC).
Protein change: p.Pro131fs; shifts the reading frame from proline 131.
Molecular consequence: frameshift variant.
Genome position (GRCh38, 1-based): chr1:228,158,150, C deleted; the last of 5 consecutive C bases (chr1:228,158,146-228,158,150); deleting any one gives the same sequence. VCF-style (leftmost placement, unchanged base first): chr1-228158145-GC-G. GRCh37 (hg19) VCF-style: chr1-228345846-GC-G.
Other names: short protein forms P131fs.
Identifiers: ClinVar variation 3366181 (VCV003366181.4).
Genomic context (GRCh38, chr1:228,158,145, plus strand): 5'-GCGGCGCCGCGCCCTCCGCCGCCGCCCGGGGCCACGCCGCGCGCCCCGAGCGCACCTGCC[GC>G]CCCCGCACGCCGGCTGGCCTGAGCCCGCCGACCTGGGCGAGGAGGAGCCCATGCTGGGCC-3'

ClinVar aggregate classification (germline): Pathogenic/Likely pathogenic. Review status: criteria provided, multiple submitters, no conflicts (2 of 4 stars). 2 submissions from 2 submitters: Pathogenic (1); Likely pathogenic (1). Last evaluated 2026-02-12.

Conditions:
Spastic paraplegia. Identifiers: MedGen C0037772, HP:0001258.

Submissions (2):

GeneDx
Classification: Likely pathogenic. Last evaluated: 2026-02-12. Review status: criteria provided, single submitter. Criteria: GeneDx Variant Classification Process June 2021. Collection method: clinical testing. Allele origin: germline.
Comment: Frameshift variant predicted to result in abnormal protein length as the last 309 amino acids are replaced with 78 different amino acids, and other similar variants have been reported in HGMD; Not observed at significant frequency in large population cohorts (gnomAD); This variant is associated with the following publications: (PMID: 18094336)

Labcorp Genetics (formerly Invitae), Labcorp
Classification: Pathogenic for Spastic paraplegia. Last evaluated: 2025-05-03. Review status: criteria provided, single submitter. Criteria: Invitae Variant Classification Sherloc (09022015). Collection method: clinical testing. Allele origin: germline.
Comment: This sequence change creates a premature translational stop signal (p.Pro131Argfs*79) in the GJC2 gene. While this is not anticipated to result in nonsense mediated decay, it is expected to disrupt the last 309 amino acid(s) of the GJC2 protein. This variant is present in population databases (no rsID available, gnomAD 0.007%). This premature translational stop signal has been observed in individual(s) with clinical features of Pelizaeus-Merzbacher disease (PMID: 18094336). ClinVar contains an entry for this variant (Variation ID: 3366181). This variant disrupts a region of the GJC2 protein in which other variant(s) (p.Arg240*) have been determined to be pathogenic (PMID: 15192806; internal data). This suggests that this is a clinically significant region of the protein, and that variants that disrupt it are likely to be disease-causing. For these reasons, this variant has been classified as Pathogenic.

Literature cited by the submitters: PubMed 18094336 (cited by Labcorp Genetics (formerly Invitae), Labcorp); PubMed 15192806 (cited by Labcorp Genetics (formerly Invitae), Labcorp).